The following is an entry in ClinVar:

NM_000213.5(ITGB4):c.1614_1615del (p.Tyr538_Asp539delinsTer)

Gene: ITGB4 (integrin subunit beta 4; plus strand). Cytogenetic location: 17q25.1.
Variant type: Deletion.
Coding change: c.1614_1615del on transcript NM_000213.5 (MANE Select); coding-DNA positions 1614 to 1615, 2 bases deleted (TG; older notation c.1614_1615delTG).
Protein change: p.Tyr538_Asp539delinsTer.
Molecular consequence: nonsense. On other transcripts: frameshift variant (1).
Genome position (GRCh38, 1-based): chr17:75,733,649-75,733,650, TG deleted. VCF-style (leftmost placement, unchanged base first): chr17-75733648-ATG-A. GRCh37 (hg19) VCF-style: chr17-73729729-ATG-A.
Other names: c.1614_1615delTG, p.Tyr538Terfs (NM_001005619.2); c.1614_1615del, p.Tyr538_Asp539delinsTer (NM_001005731.3, NM_001321123.2).
Identifiers: ClinVar variation 2698718 (VCV002698718.3), dbSNP rs2545755749, ClinGen allele CA2697555135.

ClinVar aggregate classification (germline): Pathogenic (1 of 4 stars; one submission).

Submission:

Labcorp Genetics (formerly Invitae), Labcorp
Classification: Pathogenic. Last evaluated: 2023-11-24. Review status: criteria provided, single submitter. Criteria: Invitae Variant Classification Sherloc (09022015). Collection method: clinical testing. Allele origin: germline.
Comment: This sequence change creates a premature translational stop signal (p.Tyr538*) in the ITGB4 gene. It is expected to result in an absent or disrupted protein product. Loss-of-function variants in ITGB4 are known to be pathogenic (PMID: 11328943, 16473856). This variant is not present in population databases (gnomAD no frequency). This variant has not been reported in the literature in individuals affected with ITGB4-related conditions. For these reasons, this variant has been classified as Pathogenic.

Literature cited by the submitters: PubMed 11328943; PubMed 16473856.